The following is an entry in ClinVar:

ClinVar aggregate classification (germline): Benign. Review status: criteria provided, multiple submitters, no conflicts (2 of 4 stars). 3 submissions from 3 submitters: Benign (3). Last evaluated 2018-11-12.

Conditions:
Familial hemophagocytic lymphohistiocytosis 2 (FHL2). Also called: PRF1-Related Familial Hemophagocytic Lymphohistiocytosis (PRF1-fHLH). Identifiers: Orphanet 540, MedGen C1863727, MONDO:0011337, OMIM 603553.

Allele frequency attached by ClinVar (database versions not stated): 1000 Genomes Project 0.09744; 1000 Genomes Project 30x 0.10103; TOPMed 0.10343.

Submissions (3):

GeneDx
Classification: Benign. Last evaluated: 2018-11-12. Review status: criteria provided, single submitter. Criteria: GeneDx Variant Classification Process June 2021. Collection method: clinical testing. Allele origin: germline. Affected: yes.

Illumina Laboratory Services, Illumina
Classification: Benign for Familial hemophagocytic lymphohistiocytosis 2. Last evaluated: 2018-01-13. Review status: criteria provided, single submitter. Criteria: ICSL Variant Classification Criteria 13 December 2019. Collection method: clinical testing. Allele origin: germline.
Comment: This variant was observed in the ICSL laboratory as part of a predisposition screen in an ostensibly healthy population. It had not been previously curated by ICSL or reported in the Human Gene Mutation Database (HGMD: prior to June 1st, 2018), and was therefore a candidate for classification through an automated scoring system. Utilizing variant allele frequency, disease prevalence and penetrance estimates, and inheritance mode, an automated score was calculated to assess if this variant is too frequent to cause the disease. Based on the score and internal cut-off values, a variant classified as benign is not then subjected to further curation. The score for this variant resulted in a classification of benign for this disease.

Breakthrough Genomics
Classification: Benign. Review status: criteria provided, single submitter. Criteria: ACMG Guidelines, 2015. Collection method: not provided. Allele origin: germline. Inheritance: Autosomal recessive inheritance. Affected: yes.

NM_001083116.3(PRF1):c.*89C>T

Gene: PRF1 (perforin 1; minus strand). Cytogenetic location: 10q22.1.
Variant type: single nucleotide variant.
Coding change: c.*89C>T on transcript NM_001083116.3 (MANE Select); 89 bases downstream of the stop codon, C replaced by T.
Molecular consequence: 3 prime UTR variant.
Genome position (GRCh38, 1-based): chr10:70,597,964, G>A on the plus strand (C>T on the coding strand, the complement: PRF1 is on the minus strand). VCF-style: chr10-70597964-G-A. GRCh37 (hg19) VCF-style: chr10-72357720-G-A.
Other names: c.*89C>T (NM_005041.6).
Identifiers: ClinVar variation 300325 (VCV000300325.9), dbSNP rs6480459, ClinGen allele CA10628763.